The following is an entry in ClinVar:

ClinVar aggregate classification (germline): Uncertain significance. Review status: criteria provided, multiple submitters, no conflicts (2 of 4 stars). 2 submissions from 2 submitters: Uncertain significance (2). Last evaluated 2025-11-19.

Conditions:
MHC class II deficiency. Also called: BLS, TYPE II; Bare lymphocyte syndrome 2. Identifiers: Orphanet 572, MedGen C5447452, MONDO:0008855.

Allele frequency attached by ClinVar (database versions not stated): gnomAD exomes 0.00001 and 0.00002; TOPMed 0.00002.

Submissions (2):

Ambry Genetics
Classification: Uncertain significance. Last evaluated: 2025-11-19. Review status: criteria provided, single submitter. Criteria: Ambry Variant Classification Scheme 2023. Collection method: clinical testing. Allele origin: germline.

Labcorp Genetics (formerly Invitae), Labcorp
Classification: Uncertain significance for MHC class II deficiency. Last evaluated: 2020-02-16. Review status: criteria provided, single submitter. Criteria: Invitae Variant Classification Sherloc (09022015). Collection method: clinical testing. Allele origin: germline.
Comment: This sequence change replaces arginine with tryptophan at codon 218 of the RFX5 protein (p.Arg218Trp). The arginine residue is highly conserved and there is a moderate physicochemical difference between arginine and tryptophan. This variant is not present in population databases (ExAC no frequency). This variant has not been reported in the literature in individuals with RFX5-related conditions. Algorithms developed to predict the effect of missense changes on protein structure and function are either unavailable or do not agree on the potential impact of this missense change (SIFT: "Deleterious"; PolyPhen-2: "Probably Damaging"; Align-GVGD: "Class C0"). In summary, the available evidence is currently insufficient to determine the role of this variant in disease. Therefore, it has been classified as a Variant of Uncertain Significance.

NM_001025603.2(RFX5):c.652C>T (p.Arg218Trp)

Gene: RFX5 (regulatory factor X5; minus strand). Cytogenetic location: 1q21.3.
Variant type: single nucleotide variant.
Coding change: c.652C>T on transcript NM_001025603.2 (MANE Select); coding-DNA position 652, C replaced by T.
Protein change: p.Arg218Trp; replaces arginine 218 with tryptophan.
Molecular consequence: missense variant.
Genome position (GRCh38, 1-based): chr1:151,343,786, G>A on the plus strand (C>T on the coding strand, the complement: RFX5 is on the minus strand). VCF-style: chr1-151343786-G-A. GRCh37 (hg19) VCF-style: chr1-151316262-G-A.
Other names: c.532C>T, p.Arg178Trp (NM_001379420.1, NM_001379419.1); c.652C>T, p.Arg218Trp (NM_000449.4, NM_001379412.1, NM_001379413.1 and 5 more transcripts); c.652C>T (NM_000449.3); short protein forms R178W, R218W.
Identifiers: ClinVar variation 1056627 (VCV001056627.9), dbSNP rs908948599, ClinGen allele CA29559427.